The following is an entry in ClinVar:

NC_000011.9:g.(?_61731556)_(61735061_?)dup

Genes: BEST1 (bestrophin 1; plus strand), FTH1 (ferritin heavy chain 1; minus strand). Cytogenetic location: 11q12.3.
Variant type: Duplication.
Identifiers: ClinVar variation 2425031 (VCV002425031.3).

ClinVar aggregate classification (germline): Uncertain significance (1 of 4 stars; one submission).

Submission:

Labcorp Genetics (formerly Invitae), Labcorp
Classification: Uncertain significance. Last evaluated: 2022-10-13. Review status: criteria provided, single submitter. Criteria: Invitae Variant Classification Sherloc (09022015). Collection method: clinical testing. Allele origin: germline.
Comment: This variant results in a copy number gain of the genomic region encompassing exon(s) 11 of the BEST1 gene. This region includes the termination codon of the gene. This copy number gain extends beyond the assayed region for this gene and therefore may encompass additional genes. As the precise location of this event is unknown, it may be in tandem or it may be located elsewhere in the genome. This variant has not been reported in the literature in individuals affected with BEST1-related conditions. Experimental studies and prediction algorithms are not available or were not evaluated, and the functional significance of this variant is currently unknown. In summary, the available evidence is currently insufficient to determine the role of this variant in disease. Therefore, it has been classified as a Variant of Uncertain Significance.